The following is an entry in ClinVar:

ClinVar aggregate classification (germline): Uncertain significance (1 of 4 stars; one submission).

Conditions:
Charcot-Marie-Tooth disease type 4. Also called: Charcot-Marie-Tooth, Type 4; Charcot-Marie-Tooth disease, type IV. Identifiers: Orphanet 64749, MedGen C4082197, MONDO:0018995.

Submission:

Labcorp Genetics (formerly Invitae), Labcorp
Classification: Uncertain significance for Charcot-Marie-Tooth disease type 4. Last evaluated: 2022-05-12. Review status: criteria provided, single submitter. Criteria: Invitae Variant Classification Sherloc (09022015). Collection method: clinical testing. Allele origin: germline.
Comment: This variant has not been reported in the literature in individuals affected with NDRG1-related conditions. In summary, the available evidence is currently insufficient to determine the role of this variant in disease. Therefore, it has been classified as a Variant of Uncertain Significance. Algorithms developed to predict the effect of sequence changes on RNA splicing suggest that this variant may create or strengthen a splice site. Algorithms developed to predict the effect of missense changes on protein structure and function (SIFT, PolyPhen-2, Align-GVGD) all suggest that this variant is likely to be tolerated. This variant is not present in population databases (gnomAD no frequency). This sequence change replaces asparagine, which is neutral and polar, with serine, which is neutral and polar, at codon 217 of the NDRG1 protein (p.Asn217Ser).

NM_006096.4(NDRG1):c.650A>G (p.Asn217Ser)

Gene: NDRG1 (N-myc downstream regulated 1; minus strand). Cytogenetic location: 8q24.22.
Variant type: single nucleotide variant.
Coding change: c.650A>G on transcript NM_006096.4 (MANE Select); coding-DNA position 650, A replaced by G.
Protein change: p.Asn217Ser; replaces asparagine 217 with serine.
Molecular consequence: missense variant.
Genome position (GRCh38, 1-based): chr8:133,250,488, T>C on the plus strand (A>G on the coding strand, the complement: NDRG1 is on the minus strand). VCF-style: chr8-133250488-T-C. GRCh37 (hg19) VCF-style: chr8-134262731-T-C.
Other names: c.650A>G, p.Asn217Ser (NM_001135242.2, NM_001374845.1, NM_001374846.1); c.452A>G, p.Asn151Ser (NM_001258432.2, NM_001374847.1); c.407A>G, p.Asn136Ser (NM_001258433.2); c.701A>G, p.Asn234Ser (NM_001374844.1); short protein forms N151S, N234S, N217S, N136S.
Identifiers: ClinVar variation 2040667 (VCV002040667.4), dbSNP rs2538030959, ClinGen allele CA372255378.